The following is an entry in ClinVar:

ClinVar aggregate classification (germline): Uncertain significance. Review status: criteria provided, multiple submitters, no conflicts (2 of 4 stars). 4 submissions from 4 submitters: Uncertain significance (4). Last evaluated 2025-11-12.

Conditions:
Colorectal cancer. Also called: Colorectal cancer, somatic; Malignant Colorectal Neoplasm. Identifiers: MedGen C0346629, MONDO:0005575, OMIM 114500.

Allele frequency attached by ClinVar (database versions not stated): gnomAD 0.00008; ExAC 0.00010; gnomAD exomes 0.00013; TOPMed 0.00013.
gnomAD v4.1: 201 of 1,614,280 alleles (0.012%); highest among the groups gnomAD compares: Middle Eastern, 0.16%; no homozygotes.

Submissions (4):

Labcorp Genetics (formerly Invitae), Labcorp
Classification: Uncertain significance. Last evaluated: 2025-11-12. Review status: criteria provided, single submitter. Criteria: Invitae Variant Classification Sherloc (09022015). Collection method: clinical testing. Allele origin: germline.
Comment: This sequence change replaces isoleucine, which is neutral and non-polar, with valine, which is neutral and non-polar, at codon 1095 of the DLC1 protein (p.Ile1095Val). This variant is present in population databases (rs200732432, gnomAD 0.01%). This variant has not been reported in the literature in individuals affected with DLC1-related conditions. ClinVar contains an entry for this variant (Variation ID: 2066143). An algorithm developed to predict the effect of missense changes on protein structure and function (PolyPhen-2) suggests that this variant is likely to be disruptive. In summary, the available evidence is currently insufficient to determine the role of this variant in disease. Therefore, it has been classified as a Variant of Uncertain Significance.

Blueprint Genetics
Classification: Uncertain significance. Last evaluated: 2024-11-04. Review status: criteria provided, single submitter. Criteria: ACMG Guidelines, 2015. Collection method: clinical testing. Allele origin: germline.

Fulgent Genetics
Classification: Uncertain significance for Colorectal cancer. Last evaluated: 2024-04-13. Review status: criteria provided, single submitter. Criteria: ACMG Guidelines, 2015. Collection method: clinical testing. Allele origin: germline.

Ambry Genetics
Classification: Uncertain significance. Last evaluated: 2021-06-11. Review status: criteria provided, single submitter. Criteria: Ambry Variant Classification Scheme 2023. Collection method: clinical testing. Allele origin: germline.

NM_182643.3(DLC1):c.3283A>G (p.Ile1095Val)

Gene: DLC1 (DLC1 Rho GTPase activating protein; minus strand). Cytogenetic location: 8p22.
Variant type: single nucleotide variant.
Coding change: c.3283A>G on transcript NM_182643.3 (MANE Select); coding-DNA position 3283, A replaced by G.
Protein change: p.Ile1095Val; replaces isoleucine 1095 with valine.
Molecular consequence: missense variant.
Genome position (GRCh38, 1-based): chr8:13,095,130, T>C on the plus strand (A>G on the coding strand, the complement: DLC1 is on the minus strand). VCF-style: chr8-13095130-T-C. GRCh37 (hg19) VCF-style: chr8-12952639-T-C.
Other names: c.1750A>G, p.Ile584Val (NM_001164271.2, NM_001348082.2, NM_001348083.1 and 6 more transcripts); c.2074A>G, p.Ile692Val (NM_001316668.2, NM_001413129.1); c.3283A>G, p.Ile1095Val (NM_001348081.2, NM_001413124.1); c.2065A>G, p.Ile689Val (NM_001413130.1); c.1723A>G, p.Ile575Val (NM_001413131.1, NM_001413137.1); c.2209A>G, p.Ile737Val (NM_001413132.1); c.1972A>G, p.Ile658Val (NM_001413135.1, NM_001413136.1, NM_001413139.1 and 1 more transcripts); c.2107A>G, p.Ile703Val (NM_001413140.1); short protein forms I575V, I658V, I584V, I703V, I737V, I1095V, I689V, I692V.
Identifiers: ClinVar variation 2066143 (VCV002066143.7), dbSNP rs200732432, ClinGen allele CA4638394.
Genomic context (GRCh38, chr8:13,095,130, plus strand): 5'-CAGGCAGCGCTCTCACCTGATCCAAACAATGGTTCCGGAGGTATCGCATGGCCTGCTGGA[T>C]GCTCTGAGGCAACGGTTGTCCTGTGCGCTGCACGTTGACCGTCAGTGGGACCCCAAACAC-3'
Protein context (NP_872584.2, residues 1085-1105): QRTGQPLPQS[Ile1095Val]QQAMRYLRNH